The following is an entry in ClinVar:

NM_053025.4(MYLK):c.*1135G>A

Genes: MYLK (myosin light chain kinase; minus strand), MYLK-AS1 (MYLK antisense RNA 1; plus strand). Cytogenetic location: 3q21.1.
Variant type: single nucleotide variant.
Coding change: c.*1135G>A on transcript NM_053025.4 (MANE Select); 1135 bases downstream of the stop codon, G replaced by A.
Molecular consequence: 3 prime UTR variant.
Genome position (GRCh38, 1-based): chr3:123,612,970, C>T on the plus strand (G>A on the coding strand, the complement: MYLK is on the minus strand). VCF-style: chr3-123612970-C-T. GRCh37 (hg19) VCF-style: chr3-123331817-C-T.
Other names: c.*1135G>A (NM_001321309.2, NM_053026.4, NM_053027.4 and 3 more transcripts).
Identifiers: ClinVar variation 342837 (VCV000342837.5), dbSNP rs150645157, ClinGen allele CA10614629.

ClinVar aggregate classification (germline): Likely benign (1 of 4 stars; one submission).

Conditions:
Aortic aneurysm, familial thoracic 7 (AAT7). Also called: AORTIC DISSECTION, FAMILIAL, WITH OR WITHOUT AORTIC ANEURYSM. Identifiers: MedGen C3151077, MONDO:0013418, OMIM 613780.

Allele frequency attached by ClinVar (database versions not stated): gnomAD 0.00036 and 0.00129; TOPMed 0.00057; 1000 Genomes Project 30x 0.00593; 1000 Genomes Project 0.00619.

Submission:

Illumina Laboratory Services, Illumina
Classification: Likely benign for Aortic aneurysm, familial thoracic 7. Last evaluated: 2018-01-13. Review status: criteria provided, single submitter. Criteria: ICSL Variant Classification Criteria 13 December 2019. Collection method: clinical testing. Allele origin: germline.
Comment: This variant was observed in the ICSL laboratory as part of a predisposition screen in an ostensibly healthy population. It had not been previously curated by ICSL or reported in the Human Gene Mutation Database (HGMD: prior to June 1st, 2018), and was therefore a candidate for classification through an automated scoring system. Utilizing variant allele frequency, disease prevalence and penetrance estimates, and inheritance mode, an automated score was calculated to assess if this variant is too frequent to cause the disease. Based on the score and internal cut-off values, a variant classified as likely benign is not then subjected to further curation. The score for this variant resulted in a classification of likely benign for this disease.